The following is an entry in ClinVar:

NM_015910.7(WDPCP):c.2124T>C (p.Ser708=)

Gene: WDPCP (WD repeat containing planar cell polarity effector; minus strand). Cytogenetic location: 2p15.
Variant type: single nucleotide variant.
Coding change: c.2124T>C on transcript NM_015910.7 (MANE Select); coding-DNA position 2124, T replaced by C.
Protein change: p.Ser708=; no amino-acid change (serine 708 retained).
Molecular consequence: synonymous variant. On other transcripts: non-coding transcript variant (3).
Genome position (GRCh38, 1-based): chr2:63,153,529, A>G on the plus strand (T>C on the coding strand, the complement: WDPCP is on the minus strand). VCF-style: chr2-63153529-A-G. GRCh37 (hg19) VCF-style: chr2-63380664-A-G.
Other names: c.1647T>C, p.Ser549= (NM_001042692.3); c.2052T>C, p.Ser684= (NM_001354044.2).
Identifiers: ClinVar variation 4991752 (VCV004991752.1).
Genomic context (GRCh38, chr2:63,153,529, plus strand): 5'-TACTTGGGTGTCTTGAATACCATTACCTTCTGCATTACAGGTATTAGTCATCAAAAATCC[A>G]GAACAGATGTCTTTTTCAAGTTCATTCCTTCTGTCAATTATTTGTCTGCAGTATATGGGT-3'
Protein context (NP_056994.3, residues 698-718): RRNELEKDIC[Ser708=]GFLMTNTCNA

ClinVar aggregate classification (germline): Likely benign (1 of 4 stars; one submission).

Conditions:
WDPCP-related disorder. Also called: WDPCP-related condition.

Submission:

PreventionGenetics, part of Exact Sciences
Classification: Likely benign for WDPCP-related condition. Last evaluated: 2025-12-31. Review status: criteria provided, single submitter. Criteria: ACMG Guidelines, 2015. Collection method: clinical testing. Allele origin: germline.
Comment: This variant is classified as likely benign based on ACMG/AMP sequence variant interpretation guidelines (Richards et al. 2015 PMID: 25741868, with internal and published modifications).